The following is an entry in ClinVar:

NM_005120.3(MED12):c.1704T>A (p.Asp568Glu)

Genes: MED12 (mediator complex subunit 12; plus strand), LOC126863275 (BRD4-independent group 4 enhancer GRCh37_chrX:70342400-70343599; plus strand). Cytogenetic location: Xq13.1.
Variant type: single nucleotide variant.
Coding change: c.1704T>A on transcript NM_005120.3 (MANE Select); coding-DNA position 1704, T replaced by A.
Protein change: p.Asp568Glu; replaces aspartic acid 568 with glutamic acid.
Molecular consequence: missense variant.
Genome position (GRCh38, 1-based): chrX:71,123,680, T>A. VCF-style: chrX-71123680-T-A. GRCh37 (hg19) VCF-style: chrX-70343530-T-A.
Other names: short protein forms D568E.
Identifiers: ClinVar variation 2759531 (VCV002759531.3), dbSNP rs2519674031, ClinGen allele CA413508427.
Genomic context (GRCh38, chrX:71,123,680, plus strand): 5'-TGAGAAGGGTTCCATCGCCTCTGGCTCCCTTTCTGCTCCCAGTGCTCCCATTTTCCAGGA[T>A]GTCCTCCTGCAGTTTCTGGATACACAGGCTCCCATGCTGAGTACGGACCCCTACCACTCT-3'
Protein context (NP_005111.2, residues 558-578): LSAPSAPIFQ[Asp568Glu]VLLQFLDTQA

ClinVar aggregate classification (germline): Uncertain significance (1 of 4 stars; one submission).

Conditions:
FG syndrome (FGS). Identifiers: MedGen C0220769, MONDO:0002010.

Submission:

Labcorp Genetics (formerly Invitae), Labcorp
Classification: Uncertain significance for FG syndrome. Last evaluated: 2024-10-18. Review status: criteria provided, single submitter. Criteria: Invitae Variant Classification Sherloc (09022015). Collection method: clinical testing. Allele origin: germline.
Comment: This sequence change replaces aspartic acid, which is acidic and polar, with glutamic acid, which is acidic and polar, at codon 568 of the MED12 protein (p.Asp568Glu). This variant is not present in population databases (gnomAD no frequency). This variant has not been reported in the literature in individuals affected with MED12-related conditions. Invitae Evidence Modeling of protein sequence and biophysical properties (such as structural, functional, and spatial information, amino acid conservation, physicochemical variation, residue mobility, and thermodynamic stability) indicates that this missense variant is not expected to disrupt MED12 protein function with a negative predictive value of 95%. In summary, the available evidence is currently insufficient to determine the role of this variant in disease. Therefore, it has been classified as a Variant of Uncertain Significance.